The following is an entry in ClinVar:

NM_017534.6(MYH2):c.5620G>A (p.Val1874Ile)

Genes: MYH2 (myosin heavy chain 2; minus strand), MYHAS (myosin heavy chain gene cluster antisense RNA; plus strand). Cytogenetic location: 17p13.1.
Variant type: single nucleotide variant.
Coding change: c.5620G>A on transcript NM_017534.6 (MANE Select); coding-DNA position 5620, G replaced by A.
Protein change: p.Val1874Ile; replaces valine 1874 with isoleucine.
Molecular consequence: missense variant.
Genome position (GRCh38, 1-based): chr17:10,523,143, C>T on the plus strand (G>A on the coding strand, the complement: MYH2 is on the minus strand). VCF-style: chr17-10523143-C-T. GRCh37 (hg19) VCF-style: chr17-10426460-C-T.
Other names: c.5620G>A, p.Val1874Ile (NM_001100112.2); short protein forms V1874I.
Identifiers: ClinVar variation 3360693 (VCV003360693.1).

ClinVar aggregate classification (germline): Uncertain significance (1 of 4 stars; one submission).

Submission:

GeneDx
Classification: Uncertain significance. Last evaluated: 2023-07-02. Review status: criteria provided, single submitter. Criteria: GeneDx Variant Classification Process June 2021. Collection method: clinical testing. Allele origin: germline. Affected: yes.
Comment: Not observed at significant frequency in large population cohorts (gnomAD); In silico analysis supports that this missense variant does not alter protein structure/function; Has not been previously published as pathogenic or benign to our knowledge